The following is an entry in ClinVar:

ClinVar aggregate classification (germline): Uncertain significance. Review status: criteria provided, multiple submitters, no conflicts (2 of 4 stars). 2 submissions from 2 submitters: Uncertain significance (2). Last evaluated 2025-10-13.

Allele frequency attached by ClinVar (database versions not stated): gnomAD 0.00001 and 0.00002; ExAC 0.00002; TOPMed below 0.00001; gnomAD exomes 0.00001 and 0.00002.
gnomAD v4.1: 16 of 1,614,088 alleles (0.00099%); highest among the groups gnomAD compares: East Asian, 0.016%; no homozygotes.

Submissions (2):

Labcorp Genetics (formerly Invitae), Labcorp
Classification: Uncertain significance. Last evaluated: 2025-10-13. Review status: criteria provided, single submitter. Criteria: Invitae Variant Classification Sherloc (09022015). Collection method: clinical testing. Allele origin: germline.
Comment: This sequence change replaces alanine, which is neutral and non-polar, with valine, which is neutral and non-polar, at codon 52 of the FOXP1 protein (p.Ala52Val). This variant is present in population databases (rs757649540, gnomAD 0.01%). This missense change has been observed in individual(s) with clinical features of FOXP1-related intellectual disability syndrome (PMID: 30564305, 30631761; internal data). In at least one individual the variant was observed to be de novo. ClinVar contains an entry for this variant (Variation ID: 1305449). Invitae Evidence Modeling of protein sequence and biophysical properties (such as structural, functional, and spatial information, amino acid conservation, physicochemical variation, residue mobility, and thermodynamic stability) has been performed for this missense variant. However, the output from this modeling did not meet the statistical confidence thresholds required to predict the impact of this variant on FOXP1 protein function. In summary, the available evidence is currently insufficient to determine the role of this variant in disease. Therefore, it has been classified as a Variant of Uncertain Significance.

GeneDx
Classification: Uncertain significance. Last evaluated: 2020-01-28. Review status: criteria provided, single submitter. Criteria: GeneDx Variant Classification Process June 2021. Collection method: clinical testing. Allele origin: germline. Affected: yes.
Comment: In silico analysis, which includes protein predictors and evolutionary conservation, supports that this variant does not alter protein structure/function; This variant is associated with the following publications: (PMID: 30402882, 30564305, 30631761)

Literature cited by the submitters: PubMed 30564305 (cited by Labcorp Genetics (formerly Invitae), Labcorp); PubMed 30631761 (cited by Labcorp Genetics (formerly Invitae), Labcorp).

NM_001349338.3(FOXP1):c.155C>T (p.Ala52Val)

Gene: FOXP1 (forkhead box P1; minus strand). Cytogenetic location: 3p13.
Variant type: single nucleotide variant.
Coding change: c.155C>T on transcript NM_001349338.3 (MANE Select); coding-DNA position 155, C replaced by T.
Protein change: p.Ala52Val; replaces alanine 52 with valine.
Molecular consequence: missense variant. On other transcripts: non-coding transcript variant (2).
Genome position (GRCh38, 1-based): chr3:71,198,227, G>A on the plus strand (C>T on the coding strand, the complement: FOXP1 is on the minus strand). VCF-style: chr3-71198227-G-A. GRCh37 (hg19) VCF-style: chr3-71247378-G-A.
Other names: c.155C>T, p.Ala52Val (NM_001012505.2, NM_001244808.3, NM_001244810.2 and 6 more transcripts); short protein forms A52V.
Identifiers: ClinVar variation 1305449 (VCV001305449.5), dbSNP rs757649540, ClinGen allele CA2491444.
Genomic context (GRCh38, chr3:71,198,227, plus strand): 5'-CCACCTCCACCTCCCAAGACTCCAAAGCCCAGTACCTGTTGCTGCTGCTGCTGGGCGTGG[G>A]CGAGGTCAGCTGCCCCGATGTCCACGGCCGGCGTCTCTCCGTTGGACCGCCCCTCCCGAA-3'
Protein context (NP_001336267.1, residues 42-62): PAVDIGAADL[Ala52Val]HAQQQQQQAL